The following is an entry in ClinVar:

ClinVar aggregate classification (germline): Uncertain significance (1 of 4 stars; one submission).

Allele frequency attached by ClinVar (database versions not stated): gnomAD exomes below 0.00001.
gnomAD v4.1: 1 of 1,600,098 alleles (0.000062%); highest among the groups gnomAD compares: Non-Finnish European, 0.000086%; no homozygotes.

Submission:

Labcorp Genetics (formerly Invitae), Labcorp
Classification: Uncertain significance. Last evaluated: 2022-06-07. Review status: criteria provided, single submitter. Criteria: Invitae Variant Classification Sherloc (09022015). Collection method: clinical testing. Allele origin: germline.
Comment: This variant is not present in population databases (gnomAD no frequency). This variant has not been reported in the literature in individuals affected with CACNA1D-related conditions. Algorithms developed to predict the effect of missense changes on protein structure and function (SIFT, PolyPhen-2, Align-GVGD) all suggest that this variant is likely to be tolerated. In summary, the available evidence is currently insufficient to determine the role of this variant in disease. Therefore, it has been classified as a Variant of Uncertain Significance. This sequence change replaces lysine, which is basic and polar, with arginine, which is basic and polar, at codon 822 of the CACNA1D protein (p.Lys822Arg).

NM_001128840.3(CACNA1D):c.2405A>G (p.Lys802Arg)

Gene: CACNA1D (calcium voltage-gated channel subunit alpha1 D; plus strand). Cytogenetic location: 3p21.1.
Variant type: single nucleotide variant.
Coding change: c.2405A>G on transcript NM_001128840.3 (MANE Select); coding-DNA position 2405, A replaced by G.
Protein change: p.Lys802Arg; replaces lysine 802 with arginine.
Molecular consequence: missense variant.
Genome position (GRCh38, 1-based): chr3:53,731,145, A>G. VCF-style: chr3-53731145-A-G. GRCh37 (hg19) VCF-style: chr3-53765172-A-G.
Other names: c.2465A>G, p.Lys822Arg (NM_000720.4); c.2405A>G, p.Lys802Arg (NM_001128839.3); short protein forms K822R, K802R.
Identifiers: ClinVar variation 1999792 (VCV001999792.4), dbSNP rs2473777323, ClinGen allele CA353240819.